The following is an entry in ClinVar:

ClinVar aggregate classification (germline): Uncertain significance. Review status: criteria provided, multiple submitters, no conflicts (2 of 4 stars). 4 submissions from 4 submitters: Uncertain significance (4). Last evaluated 2026-01-19.

Conditions:
Familial adenomatous polyposis 1 (FAP1). Also called: FAMILIAL ADENOMATOUS POLYPOSIS 1, ATTENUATED; POLYPOSIS, ADENOMATOUS INTESTINAL. Identifiers: MedGen C2713442, MONDO:0021056, OMIM 175100. Disease mechanism: loss of function.
Hereditary cancer-predisposing syndrome. Also called: Tumor predisposition; Hereditary Cancer Syndrome; Hereditary neoplastic syndrome; Neoplastic Syndromes, Hereditary. Identifiers: Orphanet 140162, MedGen C0027672, MeSH D009386, MONDO:0015356.

gnomAD v4.1: 3 of 1,613,950 alleles (0.00019%); highest among the groups gnomAD compares: Non-Finnish European, 0.00025%; no homozygotes.

Submissions (4):

Labcorp Genetics (formerly Invitae), Labcorp
Classification: Uncertain significance for Familial adenomatous polyposis 1. Last evaluated: 2026-01-19. Review status: criteria provided, single submitter. Criteria: Invitae Variant Classification Sherloc (09022015). Collection method: clinical testing. Allele origin: germline.
Comment: This sequence change replaces serine, which is neutral and polar, with threonine, which is neutral and polar, at codon 2512 of the APC protein (p.Ser2512Thr). This variant is not present in population databases (gnomAD no frequency). This variant has not been reported in the literature in individuals affected with APC-related conditions. ClinVar contains an entry for this variant (Variation ID: 411454). Invitae Evidence Modeling of protein sequence and biophysical properties (such as structural, functional, and spatial information, amino acid conservation, physicochemical variation, residue mobility, and thermodynamic stability) indicates that this missense variant is not expected to disrupt APC protein function with a negative predictive value of 95%. In summary, the available evidence is currently insufficient to determine the role of this variant in disease. Therefore, it has been classified as a Variant of Uncertain Significance.

Ambry Genetics
Classification: Uncertain significance for Hereditary cancer-predisposing syndrome. Last evaluated: 2024-03-19. Review status: criteria provided, single submitter. Criteria: Ambry Variant Classification Scheme 2023. Collection method: clinical testing. Allele origin: germline.
Comment: The p.S2512T variant (also known as c.7535G>C), located in coding exon 15 of the APC gene, results from a G to C substitution at nucleotide position 7535. The serine at codon 2512 is replaced by threonine, an amino acid with similar properties. This amino acid position is not well conserved in available vertebrate species. In addition, in silico predictors for this gene do not accurately predict pathogenicity. Since supporting evidence is limited at this time, the clinical significance of this alteration remains unclear.

GeneDx
Classification: Uncertain significance. Last evaluated: 2023-12-08. Review status: criteria provided, single submitter. Criteria: GeneDx Variant Classification Process June 2021. Collection method: clinical testing. Allele origin: germline. Affected: yes.
Comment: Not observed at significant frequency in large population cohorts (gnomAD); In silico analysis supports that this missense variant does not alter protein structure/function; Has not been previously published as pathogenic or benign to our knowledge

Color Diagnostics, LLC DBA Color Health
Classification: Uncertain significance for Hereditary cancer-predisposing syndrome. Last evaluated: 2020-01-08. Review status: criteria provided, single submitter. Criteria: ACMG Guidelines, 2015. Collection method: clinical testing. Allele origin: germline.
Comment: This missense variant replaces serine with threonine at codon 2512 of the APC protein. Computational prediction suggests that this variant may not impact protein structure and function (internally defined REVEL score threshold <= 0.5, PMID: 27666373). Splice site prediction tools suggest that this variant may not impact RNA splicing. To our knowledge, functional studies have not been performed for this variant. This variant has not been reported in individuals affected with hereditary cancer in the literature. This variant has not been identified in the general population by the Genome Aggregation Database (gnomAD). The available evidence is insufficient to determine the role of this variant in disease conclusively. Therefore, this variant is classified as a Variant of Uncertain Significance.

NM_000038.6(APC):c.7535G>C (p.Ser2512Thr)

Gene: APC (APC regulator of Wnt signaling pathway; plus strand). Cytogenetic location: 5q22.2.
Variant type: single nucleotide variant.
Coding change: c.7535G>C on transcript NM_000038.6 (MANE Select); coding-DNA position 7535, G replaced by C.
Protein change: p.Ser2512Thr; replaces serine 2512 with threonine.
Molecular consequence: missense variant.
Genome position (GRCh38, 1-based): chr5:112,843,129, G>C. VCF-style: chr5-112843129-G-C. GRCh37 (hg19) VCF-style: chr5-112178826-G-C.
Other names: c.7535G>C, p.Ser2512Thr (NM_001127510.3, NM_001354895.2); c.7481G>C, p.Ser2494Thr (NM_001127511.3); c.7589G>C, p.Ser2530Thr (NM_001354896.2); c.7565G>C, p.Ser2522Thr (NM_001354897.2); c.7460G>C, p.Ser2487Thr (NM_001354898.2); c.7451G>C, p.Ser2484Thr (NM_001354899.2); c.7412G>C, p.Ser2471Thr (NM_001354900.2); c.7358G>C, p.Ser2453Thr (NM_001354901.2); and 5 more; short protein forms S2494T, S2512T, S2471T, S2484T, S2530T, S2229T, S2386T, S2453T.
Identifiers: ClinVar variation 411454 (VCV000411454.56), dbSNP rs1060503315, ClinGen allele CA16037710.